The following is an entry in ClinVar:

NM_020297.4(ABCC9):c.3232C>G (p.Leu1078Val)

Gene: ABCC9 (ATP binding cassette subfamily C member 9; minus strand). Cytogenetic location: 12p12.1.
Variant type: single nucleotide variant.
Coding change: c.3232C>G on transcript NM_020297.4 (MANE Select); coding-DNA position 3232, C replaced by G.
Protein change: p.Leu1078Val; replaces leucine 1078 with valine.
Molecular consequence: missense variant.
Genome position (GRCh38, 1-based): chr12:21,844,780, G>C on the plus strand (C>G on the coding strand, the complement: ABCC9 is on the minus strand). VCF-style: chr12-21844780-G-C. GRCh37 (hg19) VCF-style: chr12-21997714-G-C.
Other names: c.3232C>G, p.Leu1078Val (NM_001377273.1, NM_005691.4); c.2365C>G, p.Leu789Val (NM_001377274.1); short protein forms L1078V, L789V.
Identifiers: ClinVar variation 3718600 (VCV003718600.2).
Genomic context (GRCh38, chr12:21,844,780, plus strand): 5'-ATTTTTATTATTTTATGTGTGGGAGTGAGAAATAACCACTGTTTTACCTTATTGGTCCAA[G>C]GATTATCTTATTGAGAAGGTTGTGGTGAAGATTTTTGGCAGCTGTGAGACCCATCCATTC-3'
Protein context (NP_064693.2, residues 1068-1088): LHHNLLNKII[Leu1078Val]GPIRFFDTTP

ClinVar aggregate classification (germline): Uncertain significance (1 of 4 stars; one submission).

Conditions:
Dilated cardiomyopathy 1O (CMD1O). Also called: CARDIOMYOPATHY, DILATED, WITH VENTRICULAR TACHYCARDIA. Identifiers: Orphanet 154, MedGen C1837839, MONDO:0012062, OMIM 608569.

Submission:

Labcorp Genetics (formerly Invitae), Labcorp
Classification: Uncertain significance for Dilated cardiomyopathy 1O. Last evaluated: 2024-10-07. Review status: criteria provided, single submitter. Criteria: Invitae Variant Classification Sherloc (09022015). Collection method: clinical testing. Allele origin: germline.
Comment: This sequence change replaces leucine, which is neutral and non-polar, with valine, which is neutral and non-polar, at codon 1078 of the ABCC9 protein (p.Leu1078Val). This variant is not present in population databases (gnomAD no frequency). This variant has not been reported in the literature in individuals affected with ABCC9-related conditions. Invitae Evidence Modeling of protein sequence and biophysical properties (such as structural, functional, and spatial information, amino acid conservation, physicochemical variation, residue mobility, and thermodynamic stability) indicates that this missense variant is expected to disrupt ABCC9 protein function with a positive predictive value of 95%. In summary, the available evidence is currently insufficient to determine the role of this variant in disease. Therefore, it has been classified as a Variant of Uncertain Significance.